The following is an entry in ClinVar:

ClinVar aggregate classification (germline): Uncertain significance. Review status: criteria provided, single submitter (1 of 4 stars). 2 submissions from 2 submitters: Uncertain significance (1). 1 of the submissions does not count toward it. Last evaluated 2022-05-20.

Conditions:
Walker-Warburg congenital muscular dystrophy. Also called: Muscular dystrophy-dystroglycanopathy, type A; Walker-Warburg syndrome. Identifiers: Orphanet 899, MedGen C0265221, MONDO:0000171.
Autosomal recessive limb-girdle muscular dystrophy type 2I. Also called: MUSCULAR DYSTROPHY-DYSTROGLYCANOPATHY (LIMB-GIRDLE), TYPE C, 5; MUSCULAR DYSTROPHY, LIMB-GIRDLE, TYPE 2I; MUSCULAR DYSTROPHY-DYSTROGLYCANOPATHY, LIMB-GIRDLE, FRKP-RELATED. Identifiers: Orphanet 34515, MedGen C1846672, MONDO:0011787, OMIM 607155.

Submissions (2):

Labcorp Genetics (formerly Invitae), Labcorp
Classification: Uncertain significance for Walker-Warburg congenital muscular dystrophy. Last evaluated: 2022-05-20. Review status: criteria provided, single submitter. Criteria: Invitae Variant Classification Sherloc (09022015). Collection method: clinical testing. Allele origin: germline.
Comment: This sequence change replaces lysine, which is basic and polar, with asparagine, which is neutral and polar, at codon 472 of the FKRP protein (p.Lys472Asn). This variant is not present in population databases (gnomAD no frequency). This variant has not been reported in the literature in individuals affected with FKRP-related conditions. Algorithms developed to predict the effect of missense changes on protein structure and function are either unavailable or do not agree on the potential impact of this missense change (SIFT: "Deleterious"; PolyPhen-2: "Probably Damaging"; Align-GVGD: "Class C0"). In summary, the available evidence is currently insufficient to determine the role of this variant in disease. Therefore, it has been classified as a Variant of Uncertain Significance.

Natera, Inc.
Classification: Uncertain significance for Limb-girdle muscular dystrophy type 2I. Last evaluated: 2025-03-13. Review status: no assertion criteria provided. Collection method: clinical testing. Allele origin: germline. Not counted in ClinVar's aggregate classification.

NM_024301.5(FKRP):c.1416G>T (p.Lys472Asn)

Gene: FKRP (fukutin related protein; plus strand). Cytogenetic location: 19q13.32.
Variant type: single nucleotide variant.
Coding change: c.1416G>T on transcript NM_024301.5 (MANE Select); coding-DNA position 1416, G replaced by T.
Protein change: p.Lys472Asn; replaces lysine 472 with asparagine.
Molecular consequence: missense variant.
Genome position (GRCh38, 1-based): chr19:46,756,866, G>T. VCF-style: chr19-46756866-G-T. GRCh37 (hg19) VCF-style: chr19-47260123-G-T.
Other names: c.1416G>T, p.Lys472Asn (NM_001039885.3); c.1416G>T (NM_024301.4); short protein forms K472N.
Identifiers: ClinVar variation 1961791 (VCV001961791.3), dbSNP rs2514000115, ClinGen allele CA406497323.
Genomic context (GRCh38, chr19:46,756,866, plus strand): 5'-GCCCTTTGCCGGCTTCGTGGCGCAGGCGCCTAACAACTACCGCCGCTTCCTGGAGCTCAA[G>T]TTCGGGCCCGGGGTCATCGAGAACCCCCAGTACCCCAACCCGGCACTGCTGAGTCTGACG-3'
Protein context (NP_077277.1, residues 462-482): PNNYRRFLEL[Lys472Asn]FGPGVIENPQ